The following is an entry in ClinVar:

ClinVar aggregate classification (germline): Conflicting classifications of pathogenicity. Review status: criteria provided, conflicting classifications (1 of 4 stars). 2 submissions from 2 submitters: Uncertain significance (1); Likely benign (1). Last evaluated 2024-11-26.

Conditions:
Hereditary cancer-predisposing syndrome. Also called: Neoplastic Syndromes, Hereditary; Tumor predisposition; Hereditary Cancer Syndrome; Hereditary neoplastic syndrome. Identifiers: Orphanet 140162, MedGen C0027672, MeSH D009386, MONDO:0015356.

Submissions (2):

Blueprint Genetics
Classification: Likely benign. Last evaluated: 2024-11-26. Review status: criteria provided, single submitter. Criteria: ACMG Guidelines, 2015. Collection method: clinical testing. Allele origin: germline.

Ambry Genetics
Classification: Uncertain significance for Hereditary cancer-predisposing syndrome. Last evaluated: 2016-02-05. Review status: criteria provided, single submitter. Criteria: Ambry Variant Classification Scheme 2023. Collection method: clinical testing. Allele origin: germline.
Comment: The c.3994-152T>C intronic alteration consists of a T to C substitution 152 nucleotides before coding exon 26 in the ATM gene. Based on insufficient or conflicting evidence, the clinical significance of this alteration remains unclear.

NM_000051.4(ATM):c.3994-152T>C

Gene: ATM (ATM serine/threonine kinase; plus strand). Cytogenetic location: 11q22.3.
Variant type: single nucleotide variant.
Coding change: c.3994-152T>C on transcript NM_000051.4 (MANE Select); 152 bases into the intron before coding-DNA position 3994, T replaced by C.
Molecular consequence: intron variant.
Genome position (GRCh38, 1-based): chr11:108,287,448, T>C. VCF-style: chr11-108287448-T-C. GRCh37 (hg19) VCF-style: chr11-108158175-T-C.
Other names: c.3994-152T>C (NM_001351834.2).
Identifiers: ClinVar variation 3076157 (VCV003076157.2), dbSNP rs2546896814, ClinGen allele CA2615848610.